The following is an entry in ClinVar:

NM_000540.3(RYR1):c.9718T>C (p.Cys3240Arg)

Gene: RYR1 (ryanodine receptor 1; plus strand). Cytogenetic location: 19q13.2.
Variant type: single nucleotide variant.
Coding change: c.9718T>C on transcript NM_000540.3 (MANE Select); coding-DNA position 9718, T replaced by C.
Protein change: p.Cys3240Arg; replaces cysteine 3240 with arginine.
Molecular consequence: missense variant.
Genome position (GRCh38, 1-based): chr19:38,517,391, T>C. VCF-style: chr19-38517391-T-C. GRCh37 (hg19) VCF-style: chr19-39008031-T-C.
Other names: c.9718T>C, p.Cys3240Arg (NM_001042723.2); short protein forms C3240R.
Identifiers: ClinVar variation 546838 (VCV000546838.11), dbSNP rs979989952, ClinGen allele CA308129692.

ClinVar aggregate classification (germline): Uncertain significance. Review status: criteria provided, multiple submitters, no conflicts (2 of 4 stars). 7 submissions from 5 submitters: Uncertain significance (7). Last evaluated 2025-05-12.

Conditions:
Malignant hyperthermia, susceptibility to, 1 (MHS1). Also called: RYR1-Related Malignant Hyperthermia Susceptibility; Anesthesia related hyperthermia; Malignant hyperpyrexia; Fulminating hyperpyrexia; Pharmacogenic myopathy; Malignant hyperthermia suceptibility 1. Identifiers: Orphanet 423, MedGen C2930980, MONDO:0007783, OMIM 145600.
Congenital multicore myopathy with external ophthalmoplegia (CMYO1B). Also called: MULTICORE MYOPATHY; Congenital myopathy 1B, autosomal recessive; Minicore myopathy; MULTIMINICORE DISEASE WITH EXTERNAL OPHTHALMOPLEGIA; Minicore myopathy with external ophthalmoplegia. Identifiers: Orphanet 598, Orphanet 98905, MedGen C1850674, MONDO:0009712, OMIM 255320, HP:0003789.
RYR1-related disorder. Also called: RYR1-related condition; RYR1-related disorders. Identifiers: MedGen CN239331.
Inborn genetic diseases. Identifiers: MedGen C0950123, MeSH D030342.
Central core myopathy (CMYO1A). Also called: Central core disease; Myopathy, central fibrillar; CONGENITAL MYOPATHY 1A, AUTOSOMAL DOMINANT, WITH SUSCEPTIBILITY TO MALIGNANT HYPERTHERMIA. Identifiers: Orphanet 597, MedGen C5830701, MONDO:0007294, OMIM 117000.

Allele frequency attached by ClinVar (database versions not stated): gnomAD exomes below 0.00001; TOPMed below 0.00001.
gnomAD v4.1: 3 of 1,613,948 alleles (0.00019%); highest among the groups gnomAD compares: Non-Finnish European, 0.00025%; no homozygotes.

Submissions (7):

Ambry Genetics
Classification: Uncertain significance for Inborn genetic diseases. Last evaluated: 2025-05-12. Review status: criteria provided, single submitter. Criteria: Ambry Variant Classification Scheme 2023. Collection method: clinical testing. Allele origin: germline.

Color Diagnostics, LLC DBA Color Health
Classification: Uncertain significance for Malignant hyperthermia, susceptibility to, 1. Last evaluated: 2024-05-13. Review status: criteria provided, single submitter. Criteria: ACMG Guidelines, 2015. Collection method: clinical testing. Allele origin: germline.
Comment: This missense variant replaces cysteine with arginine at codon 3240 of the RYR1 protein. Computational prediction is inconclusive regarding the impact of this variant on protein structure and function (internally defined REVEL score threshold 0.5 < inconclusive < 0.7, PMID: 27666373). To our knowledge, functional studies have not been reported for this variant. This variant has not been reported in individuals affected with RYR1-related disorders in the literature. This variant has not been identified in the general population by the Genome Aggregation Database (gnomAD). The available evidence is insufficient to determine the role of this variant in disease conclusively. Therefore, this variant is classified as a Variant of Uncertain Significance.

Labcorp Genetics (formerly Invitae), Labcorp
Classification: Uncertain significance for RYR1-related disorder. Last evaluated: 2022-03-22. Review status: criteria provided, single submitter. Criteria: Invitae Variant Classification Sherloc (09022015). Collection method: clinical testing. Allele origin: germline.
Comment: This sequence change replaces cysteine, which is neutral and slightly polar, with arginine, which is basic and polar, at codon 3240 of the RYR1 protein (p.Cys3240Arg). This variant is not present in population databases (gnomAD no frequency). This variant has not been reported in the literature in individuals affected with RYR1-related conditions. ClinVar contains an entry for this variant (Variation ID: 546838). Advanced modeling of protein sequence and biophysical properties (such as structural, functional, and spatial information, amino acid conservation, physicochemical variation, residue mobility, and thermodynamic stability) performed at Invitae indicates that this missense variant is not expected to disrupt RYR1 protein function. In summary, the available evidence is currently insufficient to determine the role of this variant in disease. Therefore, it has been classified as a Variant of Uncertain Significance.

CeGaT Center for Human Genetics Tuebingen
Classification: Uncertain significance. Last evaluated: 2018-02-28. Review status: criteria provided, single submitter. Criteria: Praxis fuer Humangenetik Tuebingen - Variant Classification Criteria. Collection method: clinical testing. Allele origin: germline. Affected: yes. Observed: 1 variant allele.

Illumina Laboratory Services, Illumina
Classification: Uncertain significance for Central core myopathy. Last evaluated: 2018-01-13. Review status: criteria provided, single submitter. Criteria: ICSL Variant Classification Criteria 13 December 2019. Collection method: clinical testing. Allele origin: germline.

Illumina Laboratory Services, Illumina
Classification: Uncertain significance for Malignant hyperthermia, susceptibility to, 1. Last evaluated: 2018-01-13. Review status: criteria provided, single submitter. Criteria: ICSL Variant Classification Criteria 13 December 2019. Collection method: clinical testing. Allele origin: germline.

Illumina Laboratory Services, Illumina
Classification: Uncertain significance for Congenital multicore myopathy with external ophthalmoplegia. Last evaluated: 2018-01-13. Review status: criteria provided, single submitter. Criteria: ICSL Variant Classification Criteria 13 December 2019. Collection method: clinical testing. Allele origin: germline.